The following is an entry in ClinVar:

ClinVar aggregate classification (germline): Conflicting classifications of pathogenicity. Review status: criteria provided, conflicting classifications (1 of 4 stars). 3 submissions from 3 submitters: Pathogenic (2); Uncertain significance (1). Last evaluated 2025-10-13.

Conditions:
Hyper-IgE recurrent infection syndrome 1, autosomal dominant. Also called: STAT3 Hyper IgE Syndrome; Job's Syndrome; JOB SYNDROME; Hyper-IgE recurrent infection syndrome 1; HYPER-IgE SYNDROME 1, AUTOSOMAL DOMINANT, WITH RECURRENT INFECTIONS. Identifiers: Orphanet 2314, MedGen C2936739, MONDO:0007818, OMIM 147060.
STAT3 gain of function. Identifiers: MedGen C4288261.
STAT3-related disorder. Also called: STAT3-related condition.

Submissions (3):

Labcorp Genetics (formerly Invitae), Labcorp
Classification: Uncertain significance for STAT3 gain of function; Hyper-IgE recurrent infection syndrome 1, autosomal dominant. Last evaluated: 2025-10-13. Review status: criteria provided, single submitter. Criteria: Invitae Variant Classification Sherloc (09022015). Collection method: clinical testing. Allele origin: germline.
Comment: This sequence change affects a donor splice site in intron 12 of the STAT3 gene. It is expected to disrupt RNA splicing. Variants that disrupt the donor or acceptor splice site typically lead to a loss of protein function (PMID: 16199547), however the current clinical and genetic evidence is not sufficient to establish whether loss-of-function variants in STAT3 cause disease. This variant is not present in population databases (gnomAD no frequency). Disruption of this splice site has been observed in individuals with hyper IgE syndrome (PMID: 18602572, 20159255). This variant is also known as IVS11+1G>T. ClinVar contains an entry for this variant (Variation ID: 636714). Algorithms developed to predict the effect of sequence changes on RNA splicing suggest that this variant may disrupt the consensus splice site. In summary, the available evidence is currently insufficient to determine the role of this variant in disease. Therefore, it has been classified as a Variant of Uncertain Significance.

Mayo Clinic Laboratories, Mayo Clinic
Classification: Pathogenic. Last evaluated: 2024-08-20. Review status: criteria provided, single submitter. Criteria: ACMG Guidelines, 2015. Collection method: clinical testing. Allele origin: germline. Observed: 1 variant allele.
Comment: PP1_moderate, PM2, PM6, PS3_supporting, PS4, PVS1_moderate

Blueprint Genetics
Classification: Pathogenic for STAT3-related disorders. Last evaluated: 2018-07-16. Review status: criteria provided, single submitter. Criteria: ACMG Guidelines, 2015. Collection method: clinical testing. Allele origin: germline. Affected: yes. Observed: 1 variant allele.

Literature cited by the submitters: PubMed 16199547 (cited by Labcorp Genetics (formerly Invitae), Labcorp); PubMed 18602572 (cited by Labcorp Genetics (formerly Invitae), Labcorp and Mayo Clinic Laboratories, Mayo Clinic); PubMed 20159255 (cited by Labcorp Genetics (formerly Invitae), Labcorp); PubMed 26592211 (cited by Mayo Clinic Laboratories, Mayo Clinic).

NM_139276.3(STAT3):c.1139+1G>T

Gene: STAT3 (signal transducer and activator of transcription 3; minus strand). Cytogenetic location: 17q21.2.
Variant type: single nucleotide variant.
Coding change: c.1139+1G>T on transcript NM_139276.3 (MANE Select); the canonical splice donor site of the intron after coding-DNA position 1139, G replaced by T.
Molecular consequence: splice donor variant.
Genome position (GRCh38, 1-based): chr17:42,329,746, C>A on the plus strand (G>T on the coding strand, the complement: STAT3 is on the minus strand). VCF-style: chr17-42329746-C-A. GRCh37 (hg19) VCF-style: chr17-40481764-C-A.
Other names: c.1043+1G>T (NM_001384989.1); c.1079+1G>T (NM_001384992.1); c.1139+1G>T (NM_001384984.1, NM_001369519.1, NM_003150.4 and 12 more transcripts); c.1061+1G>T (NM_001384985.1); c.1154+1G>T (NM_001384986.1, NM_001384990.1).
Identifiers: ClinVar variation 636714 (VCV000636714.4), dbSNP rs1598406623, ClinGen allele CA399589284.